The following is an entry in ClinVar:

ClinVar aggregate classification (germline): Uncertain significance (1 of 4 stars; one submission).

Conditions:
Symmetrical dyschromatosis of extremities (DSH). Also called: DYSCHROMATOSIS SYMMETRICA HEREDITARIA 1; RETICULATE ACROPIGMENTATION OF DOHI; SYMMETRIC DYSCHROMATOSIS OF THE EXTREMITIES; Dyschromatosis symmetrica hereditaria. Identifiers: Orphanet 41, MedGen C0406775, MONDO:0007483, OMIM 127400.
Aicardi-Goutieres syndrome 6 (AGS6). Identifiers: Orphanet 51, MedGen C3539013, MONDO:0014007, OMIM 615010.

Submission:

Labcorp Genetics (formerly Invitae), Labcorp
Classification: Uncertain significance for Aicardi-Goutieres syndrome 6; Symmetrical dyschromatosis of extremities. Last evaluated: 2024-08-31. Review status: criteria provided, single submitter. Criteria: Invitae Variant Classification Sherloc (09022015). Collection method: clinical testing. Allele origin: germline.
Comment: This sequence change replaces aspartic acid, which is acidic and polar, with tyrosine, which is neutral and polar, at codon 1038 of the ADAR protein (p.Asp1038Tyr). This variant is not present in population databases (gnomAD no frequency). This variant has not been reported in the literature in individuals affected with ADAR-related conditions. Invitae Evidence Modeling of protein sequence and biophysical properties (such as structural, functional, and spatial information, amino acid conservation, physicochemical variation, residue mobility, and thermodynamic stability) has been performed for this missense variant. However, the output from this modeling did not meet the statistical confidence thresholds required to predict the impact of this variant on ADAR protein function. In summary, the available evidence is currently insufficient to determine the role of this variant in disease. Therefore, it has been classified as a Variant of Uncertain Significance.

NM_001111.5(ADAR):c.3112G>T (p.Asp1038Tyr)

Gene: ADAR (adenosine deaminase RNA specific; minus strand). Cytogenetic location: 1q21.3.
Variant type: single nucleotide variant.
Coding change: c.3112G>T on transcript NM_001111.5 (MANE Select); coding-DNA position 3112, G replaced by T.
Protein change: p.Asp1038Tyr; replaces aspartic acid 1038 with tyrosine.
Molecular consequence: missense variant.
Genome position (GRCh38, 1-based): chr1:154,586,271, C>A on the plus strand (G>T on the coding strand, the complement: ADAR is on the minus strand). VCF-style: chr1-154586271-C-A. GRCh37 (hg19) VCF-style: chr1-154558747-C-A.
Other names: c.2227G>T, p.Asp743Tyr (NM_001025107.3, NM_001193495.2, NM_001365046.1 and 2 more transcripts); c.3139G>T, p.Asp1047Tyr (NM_001365045.1); c.2149G>T, p.Asp717Tyr (NM_001365049.1); c.3034G>T, p.Asp1012Tyr (NM_015840.4); c.2977G>T, p.Asp993Tyr (NM_015841.4); short protein forms D1012Y, D1038Y, D1047Y, D717Y, D743Y, D993Y.
Identifiers: ClinVar variation 3757744 (VCV003757744.2).